The following is an entry in ClinVar:

ClinVar aggregate classification (germline): Uncertain significance (1 of 4 stars; one submission).

Conditions:
Fanconi anemia (FA). Also called: Fanconi's anemia. Identifiers: Orphanet 84, MedGen C0015625, MeSH D005199, MONDO:0019391.

Allele frequency attached by ClinVar (database versions not stated): gnomAD exomes below 0.00001.
gnomAD v4.1: 3 of 1,606,884 alleles (0.00019%); highest among the groups gnomAD compares: Non-Finnish European, 0.00017%; no homozygotes.

Submission:

Labcorp Genetics (formerly Invitae), Labcorp
Classification: Uncertain significance for Fanconi anemia. Last evaluated: 2022-03-12. Review status: criteria provided, single submitter. Criteria: Invitae Variant Classification Sherloc (09022015). Collection method: clinical testing. Allele origin: germline.
Comment: In summary, the available evidence is currently insufficient to determine the role of this variant in disease. Therefore, it has been classified as a Variant of Uncertain Significance. Algorithms developed to predict the effect of missense changes on protein structure and function (SIFT, PolyPhen-2, Align-GVGD) all suggest that this variant is likely to be tolerated. This variant has not been reported in the literature in individuals affected with FANCM-related conditions. This variant is not present in population databases (gnomAD no frequency). This sequence change replaces threonine, which is neutral and polar, with isoleucine, which is neutral and non-polar, at codon 423 of the FANCM protein (p.Thr423Ile).

NM_020937.4(FANCM):c.1268C>T (p.Thr423Ile)

Gene: FANCM (FA complementation group M; plus strand). Cytogenetic location: 14q21.2.
Variant type: single nucleotide variant.
Coding change: c.1268C>T on transcript NM_020937.4 (MANE Select); coding-DNA position 1268, C replaced by T.
Protein change: p.Thr423Ile; replaces threonine 423 with isoleucine.
Molecular consequence: missense variant.
Genome position (GRCh38, 1-based): chr14:45,154,781, C>T. VCF-style: chr14-45154781-C-T. GRCh37 (hg19) VCF-style: chr14-45623984-C-T.
Other names: c.1190C>T, p.Thr397Ile (NM_001308133.2); c.1268C>T, p.Thr423Ile (NM_001308134.2); short protein forms T397I, T423I.
Identifiers: ClinVar variation 2151369 (VCV002151369.4), dbSNP rs2503106795, ClinGen allele CA389591301.
Genomic context (GRCh38, chr14:45,154,781, plus strand): 5'-TTGGCCGAAATGAAGACTTCATGAAACTCTATAATCATCTAGAGTGTATGTTTGCACGTA[C>T]ACGTAGTACTTCAGCAAATGGTATTTCTGCTATCCAACAAGGTCTGGTTTTTCTTTTAAA-3'
Protein context (NP_065988.1, residues 413-433): YNHLECMFAR[Thr423Ile]RSTSANGISA